The following is an entry in ClinVar:

NM_000051.4(ATM):c.1236-9_1236-3del

Gene: ATM (ATM serine/threonine kinase; plus strand). Cytogenetic location: 11q22.3.
Variant type: Deletion.
Coding change: c.1236-9_1236-3del on transcript NM_000051.4 (MANE Select); 9 bases into the intron before coding-DNA position 1236 through 3 bases into the intron before coding-DNA position 1236, 7 bases deleted (TTTTTTT; older notation c.1236-9_1236-3delTTTTTTT).
Molecular consequence: intron variant.
Genome position (GRCh38, 1-based): chr11:108,250,692-108,250,698, TTTTTTT deleted; deleting any 7 consecutive bases within chr11:108,250,684-108,250,698 gives the same sequence; the c. name uses the placement nearest the transcript's 3' end. VCF-style (leftmost placement, unchanged base first): chr11-108250683-CTTTTTTT-C. GRCh37 (hg19) VCF-style: chr11-108121410-CTTTTTTT-C.
Other names: c.1236-9_1236-3del (NM_001351834.2).
Identifiers: ClinVar variation 3665415 (VCV003665415.2).

ClinVar aggregate classification (germline): Uncertain significance (1 of 4 stars; one submission).

Conditions:
Ataxia-telangiectasia syndrome (AT). Also called: LOUIS-BAR SYNDROME; ATAXIA-TELANGIECTASIA, COMPLEMENTATION GROUP A; ATAXIA-TELANGIECTASIA, FRESNO VARIANT; Ataxia-telangiectasia, complementation group D; AT, COMPLEMENTATION GROUP C; Ataxia-telangiectasia. Identifiers: Orphanet 100, MedGen C0004135, MONDO:0008840, OMIM 208900.

Submission:

Labcorp Genetics (formerly Invitae), Labcorp
Classification: Uncertain significance for Ataxia-telangiectasia syndrome. Last evaluated: 2024-04-17. Review status: criteria provided, single submitter. Criteria: Invitae Variant Classification Sherloc (09022015). Collection method: clinical testing. Allele origin: germline.
Comment: This sequence change falls in intron 9 of the ATM gene. It does not directly change the encoded amino acid sequence of the ATM protein. This variant is not present in population databases (gnomAD no frequency). This variant has not been reported in the literature in individuals affected with ATM-related conditions. Studies have shown that this variant is associated with altered splicing resulting in multiple RNA products (Invitae). In summary, the available evidence is currently insufficient to determine the role of this variant in disease. Therefore, it has been classified as a Variant of Uncertain Significance.